The following is an entry in ClinVar:

NM_024753.5(TTC21B):c.553-2A>T

Genes: TTC21B-AS1 (TTC21B antisense RNA 1; plus strand), TTC21B (tetratricopeptide repeat domain 21B; minus strand). Cytogenetic location: 2q24.3.
Variant type: single nucleotide variant.
Coding change: c.553-2A>T on transcript NM_024753.5 (MANE Select); the canonical splice acceptor site of the intron before coding-DNA position 553, A replaced by T.
Molecular consequence: splice acceptor variant.
Genome position (GRCh38, 1-based): chr2:165,941,186, T>A on the plus strand (A>T on the coding strand, the complement: TTC21B is on the minus strand). VCF-style: chr2-165941186-T-A. GRCh37 (hg19) VCF-style: chr2-166797696-T-A.
Identifiers: ClinVar variation 2681765 (VCV002681765.2), dbSNP rs773580610.

ClinVar aggregate classification (germline): Pathogenic (1 of 4 stars; one submission).

Conditions:
Nephronophthisis 12 (NPHP12). Identifiers: Orphanet 655, MedGen C3151186, MONDO:0013442, OMIM 613820.

gnomAD v4.1: 1 of 1,613,824 alleles (0.000062%); highest among the groups gnomAD compares: Non-Finnish European, 0.000085%; no homozygotes.

Submission:

Precision Medicine Center, Zhengzhou University
Classification: Pathogenic for Nephronophthisis 12. Last evaluated: 2023-12-01. Review status: criteria provided, single submitter. Criteria: ACMG Guidelines, 2015. Collection method: clinical testing. Allele origin: maternal. Affected: yes.
Comment: PVS1, PM2_p,PM3

Literature cited by the submitters: PubMed 33323469.